The following is an entry in ClinVar:

NM_017654.4(SAMD9):c.848G>A (p.Cys283Tyr)

Gene: SAMD9 (sterile alpha motif domain containing 9; minus strand). Cytogenetic location: 7q21.2.
Variant type: single nucleotide variant.
Coding change: c.848G>A on transcript NM_017654.4 (MANE Select); coding-DNA position 848, G replaced by A.
Protein change: p.Cys283Tyr; replaces cysteine 283 with tyrosine.
Molecular consequence: missense variant.
Genome position (GRCh38, 1-based): chr7:93,105,250, C>T on the plus strand (G>A on the coding strand, the complement: SAMD9 is on the minus strand). VCF-style: chr7-93105250-C-T. GRCh37 (hg19) VCF-style: chr7-92734563-C-T.
Other names: c.848G>A, p.Cys283Tyr (NM_001193307.2); c.848G>A (NM_017654.3); short protein forms C283Y.
Identifiers: ClinVar variation 1937861 (VCV001937861.7), dbSNP rs142802656, ClinGen allele CA4343072.

ClinVar aggregate classification (germline): Uncertain significance. Review status: criteria provided, multiple submitters, no conflicts (2 of 4 stars). 3 submissions from 3 submitters: Uncertain significance (3). Last evaluated 2024-12-10.

Conditions:
Inborn genetic diseases. Identifiers: MedGen C0950123, MeSH D030342.

Allele frequency attached by ClinVar (database versions not stated): gnomAD exomes 0.00001; ExAC 0.00003; gnomAD 0.00004; TOPMed 0.00005; ESP Exome Variant Server 0.00008.
gnomAD v4.1: 15 of 1,613,720 alleles (0.00093%); highest among the groups gnomAD compares: East Asian, 0.022%; no homozygotes.

Submissions (3):

Ambry Genetics
Classification: Uncertain significance for Inborn genetic diseases. Last evaluated: 2024-12-10. Review status: criteria provided, single submitter. Criteria: Ambry Variant Classification Scheme 2023. Collection method: clinical testing. Allele origin: germline.
Comment: The p.C283Y variant (also known as c.848G>A), located in coding exon 1 of the SAMD9 gene, results from a G to A substitution at nucleotide position 848. The cysteine at codon 283 is replaced by tyrosine, an amino acid with highly dissimilar properties. This amino acid position is conserved. In addition, this alteration is predicted to be tolerated by in silico analysis. Based on the available evidence, the clinical significance of this variant remains unclear.

Labcorp Genetics (formerly Invitae), Labcorp
Classification: Uncertain significance. Last evaluated: 2024-07-23. Review status: criteria provided, single submitter. Criteria: Invitae Variant Classification Sherloc (09022015). Collection method: clinical testing. Allele origin: germline.
Comment: This sequence change replaces cysteine, which is neutral and slightly polar, with tyrosine, which is neutral and polar, at codon 283 of the SAMD9 protein (p.Cys283Tyr). This variant is present in population databases (rs142802656, gnomAD 0.03%). This variant has not been reported in the literature in individuals affected with SAMD9-related conditions. ClinVar contains an entry for this variant (Variation ID: 1937861). An algorithm developed to predict the effect of missense changes on protein structure and function outputs the following: PolyPhen-2: "Possibly Damaging". The tyrosine amino acid residue is found in multiple mammalian species, which suggests that this missense change does not adversely affect protein function. In summary, the available evidence is currently insufficient to determine the role of this variant in disease. Therefore, it has been classified as a Variant of Uncertain Significance.

GeneDx
Classification: Uncertain significance. Last evaluated: 2023-09-06. Review status: criteria provided, single submitter. Criteria: GeneDx Variant Classification Process June 2021. Collection method: clinical testing. Allele origin: germline. Affected: yes.
Comment: In silico analysis supports that this missense variant has a deleterious effect on protein structure/function; Has not been previously published as pathogenic or benign to our knowledge